The following is an entry in ClinVar:

ClinVar aggregate classification (germline): Uncertain significance. Review status: criteria provided, multiple submitters, no conflicts (2 of 4 stars). 2 submissions from 2 submitters: Uncertain significance (2). Last evaluated 2025-07-15.

Conditions:
Familial hemophagocytic lymphohistiocytosis 2 (FHL2). Also called: PRF1-Related Familial Hemophagocytic Lymphohistiocytosis (PRF1-fHLH). Identifiers: Orphanet 540, MedGen C1863727, MONDO:0011337, OMIM 603553.
Inborn genetic diseases. Identifiers: MedGen C0950123, MeSH D030342.

Submissions (2):

Ambry Genetics
Classification: Uncertain significance for Inborn genetic diseases. Last evaluated: 2025-07-15. Review status: criteria provided, single submitter. Criteria: Ambry Variant Classification Scheme 2023. Collection method: clinical testing. Allele origin: germline.

Labcorp Genetics (formerly Invitae), Labcorp
Classification: Uncertain significance for Familial hemophagocytic lymphohistiocytosis 2. Last evaluated: 2021-03-12. Review status: criteria provided, single submitter. Criteria: Invitae Variant Classification Sherloc (09022015). Collection method: clinical testing. Allele origin: germline.
Comment: In summary, the available evidence is currently insufficient to determine the role of this variant in disease. Therefore, it has been classified as a Variant of Uncertain Significance. This sequence change replaces glycine with alanine at codon 426 of the PRF1 protein (p.Gly426Ala). The glycine residue is moderately conserved and there is a small physicochemical difference between glycine and alanine. This variant is not present in population databases (ExAC no frequency). This variant has not been reported in the literature in individuals with PRF1-related conditions. Algorithms developed to predict the effect of missense changes on protein structure and function (SIFT, PolyPhen-2, Align-GVGD) all suggest that this variant is likely to be tolerated, but these predictions have not been confirmed by published functional studies and their clinical significance is uncertain.

NM_001083116.3(PRF1):c.1277G>C (p.Gly426Ala)

Gene: PRF1 (perforin 1; minus strand). Cytogenetic location: 10q22.1.
Variant type: single nucleotide variant.
Coding change: c.1277G>C on transcript NM_001083116.3 (MANE Select); coding-DNA position 1277, G replaced by C.
Protein change: p.Gly426Ala; replaces glycine 426 with alanine.
Molecular consequence: missense variant.
Genome position (GRCh38, 1-based): chr10:70,598,444, C>G on the plus strand (G>C on the coding strand, the complement: PRF1 is on the minus strand). VCF-style: chr10-70598444-C-G. GRCh37 (hg19) VCF-style: chr10-72358200-C-G.
Other names: c.1277G>C, p.Gly426Ala (NM_005041.6); c.1277G>C (NM_001083116.1); short protein forms G426A.
Identifiers: ClinVar variation 1462223 (VCV001462223.9), dbSNP rs1564723771, ClinGen allele CA376956212.